The following is an entry in ClinVar:

NC_000010.10:g.(?_12154879)_(12155083_?)del

Gene: DHTKD1 (dehydrogenase E1 and transketolase domain containing 1; plus strand). Cytogenetic location: 10p14.
Variant type: Deletion.
Identifiers: ClinVar variation 3244850 (VCV003244850.1).

ClinVar aggregate classification (germline): Pathogenic (1 of 4 stars; one submission).

Conditions:
2-aminoadipic 2-oxoadipic aciduria (AAKAD). Also called: Aminoadipic aciduria; ALPHA-AMINOADIPIC AND ALPHA-KETOADIPIC ACIDURIA. Identifiers: Orphanet 79154, MedGen C1859817, MONDO:0008774, OMIM 204750.

Submission:

Labcorp Genetics (formerly Invitae), Labcorp
Classification: Pathogenic for 2-aminoadipic 2-oxoadipic aciduria. Last evaluated: 2023-01-11. Review status: criteria provided, single submitter. Criteria: Invitae Variant Classification Sherloc (09022015). Collection method: clinical testing. Allele origin: unknown.
Comment: For these reasons, this variant has been classified as Pathogenic. This variant disrupts a region of the DHTKD1 protein in which other variant(s) (p.Gly729Arg) have been determined to be pathogenic (PMID: 23141293, 25860818, 26141459; Invitae). This suggests that this is a clinically significant region of the protein, and that variants that disrupt it are likely to be disease-causing. This variant has not been observed in the literature in individuals with autosomal recessive DHTKD1-related conditions. This variant has been reported in individual(s) with clinical features of autosomal dominant DHTKD1-related conditions (Invitae); however, the role of the variant in this condition is currently unclear. This variant is a gross deletion of the genomic region encompassing exon(s) 13 of the DHTKD1 gene. This variant would be expected to be in-frame, preserving the integrity of the reading frame.

Literature cited by the submitters: PubMed 23141293; PubMed 25860818; PubMed 26141459.